The following is an entry in ClinVar:

NM_001164508.2(NEB):c.12278C>G (p.Pro4093Arg)

Gene: NEB (nebulin; minus strand). Cytogenetic location: 2q23.3.
Variant type: single nucleotide variant.
Coding change: c.12278C>G on transcript NM_001164508.2 (MANE Select); coding-DNA position 12278, C replaced by G.
Protein change: p.Pro4093Arg; replaces proline 4093 with arginine.
Molecular consequence: missense variant.
Genome position (GRCh38, 1-based): chr2:151,609,861, G>C on the plus strand (C>G on the coding strand, the complement: NEB is on the minus strand). VCF-style: chr2-151609861-G-C. GRCh37 (hg19) VCF-style: chr2-152466375-G-C.
Other names: c.12278C>G, p.Pro4093Arg (NM_001164507.2, NM_001271208.2); c.11549C>G, p.Pro3850Arg (NM_004543.5); c.11549C>G (NM_004543.4); short protein forms P3850R, P4093R.
Identifiers: ClinVar variation 1043074 (VCV001043074.7), dbSNP rs749270501, ClinGen allele CA57632586.

ClinVar aggregate classification (germline): Uncertain significance. Review status: criteria provided, multiple submitters, no conflicts (2 of 4 stars). 3 submissions from 3 submitters: Uncertain significance (2). 1 of the submissions does not count toward it. Last evaluated 2024-12-24.

Conditions:
Nemaline myopathy 2 (NEM2). Also called: Nemaline myopathy 2, autosomal recessive. Identifiers: MedGen C1850569, MONDO:0009725, OMIM 256030.
Inborn genetic diseases. Identifiers: MedGen C0950123, MeSH D030342.

Allele frequency attached by ClinVar (database versions not stated): TOPMed 0.00002.
gnomAD v4.1: 9 of 1,609,704 alleles (0.00056%); highest among the groups gnomAD compares: Admixed American, 0.005%; no homozygotes.

Submissions (3):

Ambry Genetics
Classification: Uncertain significance for Inborn genetic diseases. Last evaluated: 2024-12-24. Review status: criteria provided, single submitter. Criteria: Ambry Variant Classification Scheme 2023. Collection method: clinical testing. Allele origin: germline.

Labcorp Genetics (formerly Invitae), Labcorp
Classification: Uncertain significance for Nemaline myopathy 2. Last evaluated: 2022-08-16. Review status: criteria provided, single submitter. Criteria: Invitae Variant Classification Sherloc (09022015). Collection method: clinical testing. Allele origin: germline.
Comment: This sequence change replaces proline, which is neutral and non-polar, with arginine, which is basic and polar, at codon 4093 of the NEB protein (p.Pro4093Arg). This variant is present in population databases (rs749270501, gnomAD 0.007%). This variant has not been reported in the literature in individuals affected with NEB-related conditions. ClinVar contains an entry for this variant (Variation ID: 1043074). Algorithms developed to predict the effect of missense changes on protein structure and function are either unavailable or do not agree on the potential impact of this missense change (SIFT: "Deleterious"; PolyPhen-2: "Not Available"; Align-GVGD: "Class C0"). In summary, the available evidence is currently insufficient to determine the role of this variant in disease. Therefore, it has been classified as a Variant of Uncertain Significance.

Natera, Inc.
Classification: Uncertain significance for Nemaline myopathy type 2. Last evaluated: 2020-04-07. Review status: no assertion criteria provided. Collection method: clinical testing. Allele origin: germline. Not counted in ClinVar's aggregate classification.